The following is an entry in ClinVar:

ClinVar aggregate classification (germline): Uncertain significance. Review status: criteria provided, multiple submitters, no conflicts (2 of 4 stars). 2 submissions from 2 submitters: Uncertain significance (2). Last evaluated 2024-11-27.

Conditions:
Inborn genetic diseases. Identifiers: MedGen C0950123, MeSH D030342.
Atypical glycine encephalopathy. Also called: Glycine encephalopathy with normal serum glycine. Identifiers: Orphanet 289863, MedGen C4310943, MONDO:0015010, OMIM 617301.

Allele frequency attached by ClinVar (database versions not stated): gnomAD exomes 0.00001; ExAC 0.00003; gnomAD 0.00003; TOPMed 0.00005.
gnomAD v4.1: 19 of 1,613,348 alleles (0.0012%); highest among the groups gnomAD compares: East Asian, 0.0089%; no homozygotes.

Submissions (2):

Labcorp Genetics (formerly Invitae), Labcorp
Classification: Uncertain significance for Atypical glycine encephalopathy. Last evaluated: 2024-11-27. Review status: criteria provided, single submitter. Criteria: Invitae Variant Classification Sherloc (09022015). Collection method: clinical testing. Allele origin: germline.
Comment: This sequence change replaces arginine, which is basic and polar, with histidine, which is basic and polar, at codon 700 of the SLC6A9 protein (p.Arg700His). This variant is present in population databases (rs201167747, gnomAD 0.01%). This variant has not been reported in the literature in individuals affected with SLC6A9-related conditions. ClinVar contains an entry for this variant (Variation ID: 2409177). An algorithm developed to predict the effect of missense changes on protein structure and function outputs the following: PolyPhen-2: "Benign". The histidine amino acid residue is found in multiple mammalian species, which suggests that this missense change does not adversely affect protein function. In summary, the available evidence is currently insufficient to determine the role of this variant in disease. Therefore, it has been classified as a Variant of Uncertain Significance.

Ambry Genetics
Classification: Uncertain significance for Inborn genetic diseases. Last evaluated: 2022-07-13. Review status: criteria provided, single submitter. Criteria: Ambry Variant Classification Scheme 2023. Collection method: clinical testing. Allele origin: germline.

NM_001024845.3(SLC6A9):c.1880G>A (p.Arg627His)

Gene: SLC6A9 (solute carrier family 6 member 9; minus strand). Cytogenetic location: 1p34.1.
Variant type: single nucleotide variant.
Coding change: c.1880G>A on transcript NM_001024845.3 (MANE Select); coding-DNA position 1880, G replaced by A.
Protein change: p.Arg627His; replaces arginine 627 with histidine.
Molecular consequence: missense variant. On other transcripts: non-coding transcript variant (1).
Genome position (GRCh38, 1-based): chr1:43,997,567, C>T on the plus strand (G>A on the coding strand, the complement: SLC6A9 is on the minus strand). VCF-style: chr1-43997567-C-T. GRCh37 (hg19) VCF-style: chr1-44463239-C-T.
Other names: c.1892G>A, p.Arg631His (NM_001261380.2); c.1547G>A, p.Arg516His (NM_001328626.2); c.1817G>A, p.Arg606His (NM_001328627.1); c.1685G>A, p.Arg562His (NM_001328628.1); c.1880G>A, p.Arg627His (NM_001328629.1); c.1376G>A, p.Arg459His (NM_001328630.2); c.1937G>A, p.Arg646His (NM_006934.4); c.2099G>A, p.Arg700His (NM_201649.4); short protein forms R606H, R459H, R562H, R631H, R700H, R627H, R646H, R516H.
Identifiers: ClinVar variation 2409177 (VCV002409177.4), dbSNP rs201167747, ClinGen allele CA817325.